The following is an entry in ClinVar:

NM_032043.3(BRIP1):c.2088del (p.Ser697fs)

Gene: BRIP1 (BRCA1 interacting DNA helicase 1; minus strand). Cytogenetic location: 17q23.2.
Variant type: Deletion.
Coding change: c.2088del on transcript NM_032043.3 (MANE Select); coding-DNA position 2088, one base deleted (A; older notation c.2088delA).
Protein change: p.Ser697fs; shifts the reading frame from serine 697.
Molecular consequence: frameshift variant.
Genome position (GRCh38, 1-based): chr17:61,776,410, T deleted on the plus strand (A on the coding strand, the reverse complement: BRIP1 is on the minus strand). VCF-style (leftmost placement, unchanged base first): chr17-61776409-AT-A. GRCh37 (hg19) VCF-style: chr17-59853770-AT-A.
Other names: short protein forms S697fs.
Identifiers: ClinVar variation 1785672 (VCV001785672.2), dbSNP rs2544996008, ClinGen allele CA2580094463.

ClinVar aggregate classification (germline): Pathogenic (1 of 4 stars; one submission).

Conditions:
Hereditary cancer-predisposing syndrome. Also called: Neoplastic Syndromes, Hereditary; Tumor predisposition; Hereditary Cancer Syndrome; Hereditary neoplastic syndrome. Identifiers: Orphanet 140162, MedGen C0027672, MeSH D009386, MONDO:0015356.

Submission:

Ambry Genetics
Classification: Pathogenic for Hereditary cancer-predisposing syndrome. Last evaluated: 2019-06-29. Review status: criteria provided, single submitter. Criteria: Ambry Variant Classification Scheme 2023. Collection method: clinical testing. Allele origin: germline.
Comment: The c.2088delA pathogenic mutation, located in coding exon 13 of the BRIP1 gene, results from a deletion of one nucleotide at nucleotide position 2088, causing a translational frameshift with a predicted alternate stop codon (p.S697Lfs*5). This alteration is expected to result in loss of function by premature protein truncation or nonsense-mediated mRNA decay. As such, this alteration is interpreted as a disease-causing mutation.